The following is an entry in ClinVar:

ClinVar aggregate classification (germline): Pathogenic (1 of 4 stars; one submission).

Conditions:
Joubert syndrome. Also called: Familial aplasia of the vermis; CEREBELLOPARENCHYMAL DISORDER IV; JOUBERT-BOLTSHAUSER SYNDROME. Identifiers: Orphanet 475, MedGen C5979921, MONDO:0018772.
Meckel-Gruber syndrome. Also called: Dysencephalia splachnocystica; DYSENCEPHALIA SPLANCHNOCYSTICA; GRUBER SYNDROME. Identifiers: Orphanet 564, MedGen C0265215, MONDO:0018921.
Nephronophthisis. Also called: Juvenile Nephronophthisis. Identifiers: Orphanet 655, MedGen C0687120, MONDO:0019005, HP:0000090.

Submission:

Labcorp Genetics (formerly Invitae), Labcorp
Classification: Pathogenic for Joubert syndrome; Meckel-Gruber syndrome; Nephronophthisis. Last evaluated: 2020-01-16. Review status: criteria provided, single submitter. Criteria: Invitae Variant Classification Sherloc (09022015). Collection method: clinical testing. Allele origin: germline.
Comment: This sequence change creates a premature translational stop signal (p.Tyr281*) in the CEP290 gene. It is expected to result in an absent or disrupted protein product. This variant is not present in population databases (ExAC no frequency). This variant has not been reported in the literature in individuals with CEP290-related conditions. Loss-of-function variants in CEP290 are known to be pathogenic (PMID: 16909394, 17345604, 20690115, 25377065, 28559085). For these reasons, this variant has been classified as Pathogenic.

Literature cited by the submitters: PubMed 16909394; PubMed 17345604; PubMed 20690115; PubMed 25377065; PubMed 28559085.

NM_025114.4(CEP290):c.843_845del (p.Tyr281_Gln282delinsTer)

Gene: CEP290 (centrosomal protein 290; minus strand). Cytogenetic location: 12q21.32.
Variant type: Deletion.
Coding change: c.843_845del on transcript NM_025114.4 (MANE Select); coding-DNA positions 843 to 845, 3 bases deleted (TCA; older notation c.843_845delTCA).
Protein change: p.Tyr281_Gln282delinsTer.
Molecular consequence: nonsense.
Genome position (GRCh38, 1-based): chr12:88,129,701-88,129,703, TGA deleted on the plus strand (TCA on the coding strand, the reverse complement: CEP290 is on the minus strand); deleting any 3 consecutive bases within chr12:88,129,701-88,129,704 gives the same sequence; the c. name uses the placement nearest the transcript's 3' end. VCF-style (leftmost placement, unchanged base first): chr12-88129700-TTGA-T. GRCh37 (hg19) VCF-style: chr12-88523477-TTGA-T.
Identifiers: ClinVar variation 1069905 (VCV001069905.9), dbSNP rs2138083048, ClinGen allele CA2499221902.